The following is an entry in ClinVar:

ClinVar aggregate classification (germline): Likely benign. Review status: criteria provided, multiple submitters, no conflicts (2 of 4 stars). 3 submissions from 3 submitters: Likely benign (3). Last evaluated 2025-09-09.

Conditions:
HHAT-related disorder. Also called: HHAT-related condition.

Allele frequency attached by ClinVar (database versions not stated): 1000 Genomes Project 0.00040; gnomAD 0.00056 and 0.00059; TOPMed 0.00061; 1000 Genomes Project 30x 0.00062; ESP Exome Variant Server 0.00062; ExAC 0.00064; gnomAD exomes 0.00064 and 0.00076.
gnomAD v4.1: 1,191 of 1,614,116 alleles (0.074%); highest among the groups gnomAD compares: Non-Finnish European, 0.085%; 2 homozygotes.

Submissions (3):

Labcorp Genetics (formerly Invitae), Labcorp
Classification: Likely benign. Last evaluated: 2025-09-09. Review status: criteria provided, single submitter. Criteria: Invitae Variant Classification Sherloc (09022015). Collection method: clinical testing. Allele origin: germline.

CeGaT Center for Human Genetics Tuebingen
Classification: Likely benign. Last evaluated: 2025-05-01. Review status: criteria provided, single submitter. Criteria: CeGaT Center For Human Genetics Tuebingen Variant Classification Criteria Version 2. Collection method: clinical testing. Allele origin: germline. Affected: yes. Observed: 1 variant allele.
Comment: HHAT: BS2

PreventionGenetics, part of Exact Sciences
Classification: Likely benign for HHAT-related condition. Last evaluated: 2025-02-23. Review status: criteria provided, single submitter. Criteria: ACMG Guidelines, 2015. Collection method: clinical testing. Allele origin: germline.
Comment: This variant is classified as likely benign based on ACMG/AMP sequence variant interpretation guidelines (Richards et al. 2015 PMID: 25741868, with internal and published modifications).

NM_018194.6(HHAT):c.1457G>T (p.Trp486Leu)

Gene: HHAT (hedgehog acyltransferase; plus strand). Cytogenetic location: 1q32.2.
Variant type: single nucleotide variant.
Coding change: c.1457G>T on transcript NM_018194.6 (MANE Select); coding-DNA position 1457, G replaced by T.
Protein change: p.Trp486Leu; replaces tryptophan 486 with leucine.
Molecular consequence: missense variant.
Genome position (GRCh38, 1-based): chr1:210,674,354, G>T. VCF-style: chr1-210674354-G-T. GRCh37 (hg19) VCF-style: chr1-210847696-G-T.
Other names: c.1457G>T, p.Trp486Leu (NM_001122834.4, NM_001170580.3); c.1046G>T, p.Trp349Leu (NM_001170564.3); c.1460G>T, p.Trp487Leu (NM_001170587.3); c.1262G>T, p.Trp421Leu (NM_001170588.3); short protein forms W421L, W486L, W487L, W349L.
Identifiers: ClinVar variation 719245 (VCV000719245.17), dbSNP rs145943928, ClinGen allele CA1379503.